The following is an entry in ClinVar:

NM_000465.4(BARD1):c.414C>G (p.Asn138Lys)

Gene: BARD1 (BRCA1 associated RING domain 1; minus strand). Cytogenetic location: 2q35.
Variant type: single nucleotide variant.
Coding change: c.414C>G on transcript NM_000465.4 (MANE Select); coding-DNA position 414, C replaced by G.
Protein change: p.Asn138Lys; replaces asparagine 138 with lysine.
Molecular consequence: missense variant. On other transcripts: non-coding transcript variant (2), intron variant (3).
Genome position (GRCh38, 1-based): chr2:214,781,460, G>C on the plus strand (C>G on the coding strand, the complement: BARD1 is on the minus strand). VCF-style: chr2-214781460-G-C. GRCh37 (hg19) VCF-style: chr2-215646184-G-C.
Other names: c.357C>G, p.Asn119Lys (NM_001282543.2); c.158+27952C>G (NM_001282548.2); c.215+15601C>G (NM_001282545.2); c.364+10837C>G (NM_001282549.2); short protein forms N119K, N138K.
Identifiers: ClinVar variation 4867392 (VCV004867392.1).
Genomic context (GRCh38, chr2:214,781,460, plus strand): 5'-CACAACATATCTGACTTTCTTACTTCGAGGGCTAAACCACATTTTAATTGAATTCTTCTT[G>C]TTTCCTGCATCATTAAACAAACTTTTCCTAGGTTTATCTTCTTTCAAATCTGACAGAAAA-3'
Protein context (NP_000456.2, residues 128-148): PRKSLFNDAG[Asn138Lys]KKNSIKMWFS

ClinVar aggregate classification (germline): Uncertain significance (1 of 4 stars; one submission).

Conditions:
Hereditary cancer-predisposing syndrome. Also called: Neoplastic Syndromes, Hereditary; Tumor predisposition; Hereditary Cancer Syndrome; Hereditary neoplastic syndrome. Identifiers: Orphanet 140162, MedGen C0027672, MeSH D009386, MONDO:0015356.

Submission:

Ambry Genetics
Classification: Uncertain significance for Hereditary cancer-predisposing syndrome. Last evaluated: 2026-04-05. Review status: criteria provided, single submitter. Criteria: Ambry Variant Classification Scheme 2023. Collection method: clinical testing. Allele origin: germline.
Comment: The p.N138K variant (also known as c.414C>G), located in coding exon 4 of the BARD1 gene, results from a C to G substitution at nucleotide position 414. The asparagine at codon 138 is replaced by lysine, an amino acid with similar properties. This amino acid position is conserved. In addition, this alteration is predicted to be tolerated by in silico analysis. Based on the available evidence, the clinical significance of this variant remains unclear.